The following is an entry in ClinVar:

NM_000059.4(BRCA2):c.3772del (p.Pro1257_Ile1258insTer)

Gene: BRCA2 (BRCA2 DNA repair associated; plus strand). Cytogenetic location: 13q13.1.
Variant type: Deletion.
Coding change: c.3772del on transcript NM_000059.4 (MANE Select); coding-DNA position 3772, one base deleted (A; older notation c.3772delA).
Protein change: p.Pro1257_Ile1258insTer.
Molecular consequence: nonsense.
Genome position (GRCh38, 1-based): chr13:32,338,127, A deleted; the last of 2 consecutive A bases (chr13:32,338,126-32,338,127); deleting either gives the same sequence. VCF-style (leftmost placement, unchanged base first): chr13-32338125-CA-C. GRCh37 (hg19) VCF-style: chr13-32912262-CA-C.
Other names: c.3772delA (NM_000059.3).
Identifiers: ClinVar variation 51521 (VCV000051521.9), dbSNP rs397507684, ClinGen allele CA018776.

ClinVar aggregate classification (germline): Pathogenic. Review status: reviewed by expert panel (3 of 4 stars). 6 submissions from 6 submitters: Pathogenic (1). 5 of the submissions do not count toward it. Last evaluated 2016-09-08.

Conditions:
Breast-ovarian cancer, familial, susceptibility to, 2 (BROVCA2). Also called: BRCA2 Hereditary Breast and Ovarian Cancer. Identifiers: Orphanet 145, MedGen C2675520, MONDO:0012933, OMIM 612555. Disease mechanism: loss of function.
Familial cancer of breast. Also called: BREAST CANCER, FAMILIAL; Hereditary breast cancer; hereditary breast carcinoma. Identifiers: Orphanet 227535, MedGen C0346153, MONDO:0016419, OMIM 114480. Disease mechanism: loss of function.

Submissions (6):

Evidence-based Network for the Interpretation of Germline Mutant Alleles (ENIGMA)
Classification: Pathogenic for Breast-ovarian cancer, familial, susceptibility to, 2. Last evaluated: 2016-09-08. Review status: reviewed by expert panel. Criteria: ENIGMA BRCA1/2 Classification Criteria (2015). Collection method: curation. Allele origin: germline.
Comment: Variant allele predicted to encode a truncated non-functional protein.

Institute of Human Genetics, University of Leipzig Medical Center
Classification: Pathogenic for Familial cancer of breast. Last evaluated: 2024-08-26. Review status: criteria provided, single submitter. Criteria: ACMG Guidelines, 2015. Collection method: clinical testing. Allele origin: unknown. Inheritance: Autosomal dominant inheritance. Affected: yes. Not counted in ClinVar's aggregate classification.
Comment: Criteria applied: PVS1,PM5_STR,PM2_SUP

Baylor Genetics
Classification: Pathogenic for Familial cancer of breast. Last evaluated: 2024-01-03. Review status: criteria provided, single submitter. Criteria: ACMG Guidelines, 2015. Collection method: clinical testing. Allele origin: unknown. Not counted in ClinVar's aggregate classification.

Consortium of Investigators of Modifiers of BRCA1/2 (CIMBA), c/o University of Cambridge
Classification: Pathogenic for Breast-ovarian cancer, familial, susceptibility to, 2. Last evaluated: 2015-10-02. Review status: criteria provided, single submitter. Criteria: CIMBA Mutation Classification guidelines May 2016. Collection method: clinical testing. Allele origin: germline. Not counted in ClinVar's aggregate classification.

Clinical Genetics DNA and cytogenetics Diagnostics Lab, Erasmus MC, Erasmus Medical Center
Classification: Pathogenic for Breast-ovarian cancer, familial, susceptibility to, 2. Last evaluated: 2015-09-21. Review status: criteria provided, single submitter. Criteria: ACGS Guidelines, 2013. Collection method: clinical testing. Allele origin: germline. Affected: yes. Study: VKGL Data-share Consensus. Not counted in ClinVar's aggregate classification.

Diagnostic Laboratory, Department of Genetics, University Medical Center Groningen
Classification: Pathogenic for Breast-ovarian cancer, familial, susceptibility to, 2. Review status: no assertion criteria provided. Collection method: clinical testing. Allele origin: germline. Affected: yes. Study: VKGL Data-share Consensus. Not counted in ClinVar's aggregate classification.